The following is an entry in ClinVar:

ClinVar aggregate classification (germline): Uncertain significance (1 of 4 stars; one submission).

Submission:

Labcorp Genetics (formerly Invitae), Labcorp
Classification: Uncertain significance. Last evaluated: 2022-05-16. Review status: criteria provided, single submitter. Criteria: Invitae Variant Classification Sherloc (09022015). Collection method: clinical testing. Allele origin: germline.
Comment: In summary, the available evidence is currently insufficient to determine the role of this variant in disease. Therefore, it has been classified as a Variant of Uncertain Significance. Algorithms developed to predict the effect of missense changes on protein structure and function are either unavailable or do not agree on the potential impact of this missense change (SIFT: "Deleterious"; PolyPhen-2: "Benign"; Align-GVGD: "Class C0"). This variant has not been reported in the literature in individuals affected with KMT2C-related conditions. This variant is not present in population databases (gnomAD no frequency). This sequence change replaces valine, which is neutral and non-polar, with alanine, which is neutral and non-polar, at codon 3284 of the KMT2C protein (p.Val3284Ala).

NM_170606.3(KMT2C):c.9851T>C (p.Val3284Ala)

Gene: KMT2C (lysine methyltransferase 2C; minus strand). Cytogenetic location: 7q36.1.
Variant type: single nucleotide variant.
Coding change: c.9851T>C on transcript NM_170606.3 (MANE Select); coding-DNA position 9851, T replaced by C.
Protein change: p.Val3284Ala; replaces valine 3284 with alanine.
Molecular consequence: missense variant.
Genome position (GRCh38, 1-based): chr7:152,163,726, A>G on the plus strand (T>C on the coding strand, the complement: KMT2C is on the minus strand). VCF-style: chr7-152163726-A-G. GRCh37 (hg19) VCF-style: chr7-151860811-A-G.
Other names: short protein forms V3284A.
Identifiers: ClinVar variation 1995224 (VCV001995224.4), dbSNP rs1587831254, ClinGen allele CA370105768.
Genomic context (GRCh38, chr7:152,163,726, plus strand): 5'-AAGGTGGGTTGGCTCATGGTGGGTGGAGTGGCACCTGGAATTAGGGGTGGCTGGGGCTGG[A>G]CACTGGGCATCATGGTAGGTGGGGCCATTGCACATTGCTGCTGCTGTTTGATCCGATAAT-3'
Protein context (NP_733751.2, residues 3274-3294): AMAPPTMMPS[Val3284Ala]QPQPPLIPGA